The following is an entry in ClinVar:

NM_004753.7(DHRS3):c.448G>A (p.Gly150Ser)

Gene: DHRS3 (dehydrogenase/reductase 3; minus strand). Cytogenetic location: 1p36.21.
Variant type: single nucleotide variant.
Coding change: c.448G>A on transcript NM_004753.7 (MANE Select); coding-DNA position 448, G replaced by A.
Protein change: p.Gly150Ser; replaces glycine 150 with serine.
Molecular consequence: missense variant.
Genome position (GRCh38, 1-based): chr1:12,579,304, C>T on the plus strand (G>A on the coding strand, the complement: DHRS3 is on the minus strand). VCF-style: chr1-12579304-C-T. GRCh37 (hg19) VCF-style: chr1-12639332-C-T.
Other names: c.193G>A, p.Gly65Ser (NM_001319225.2, NM_001324370.2); short protein forms G150S, G65S.
Identifiers: ClinVar variation 2636989 (VCV002636989.1), dbSNP rs1646623143, ClinGen allele CA338507389.

ClinVar aggregate classification (germline): Uncertain significance (1 of 4 stars; one submission).

Conditions:
DHRS3-related disorder. Also called: DHRS3-related condition.

Submission:

PreventionGenetics, part of Exact Sciences
Classification: Uncertain significance for DHRS3-related condition. Last evaluated: 2022-11-08. Review status: criteria provided, single submitter. Criteria: ACMG Guidelines, 2015. Collection method: clinical testing. Allele origin: germline.
Comment: The DHRS3 c.448G>A variant is predicted to result in the amino acid substitution p.Gly150Ser. To our knowledge, this variant has not been reported in the literature or in a large population database, indicating this variant is rare. At this time, the clinical significance of this variant is uncertain due to the absence of conclusive functional and genetic evidence.